The following is an entry in ClinVar:

NM_006019.4(TCIRG1):c.1114C>T (p.Gln372Ter)

Gene: TCIRG1 (T cell immune regulator 1, ATPase H+ transporting V0 subunit a3; plus strand). Cytogenetic location: 11q13.2.
Variant type: single nucleotide variant.
Coding change: c.1114C>T on transcript NM_006019.4 (MANE Select); coding-DNA position 1114, C replaced by T.
Protein change: p.Gln372Ter; replaces glutamine 372 with a stop codon.
Molecular consequence: nonsense.
Genome position (GRCh38, 1-based): chr11:68,045,051, C>T. VCF-style: chr11-68045051-C-T. GRCh37 (hg19) VCF-style: chr11-67812518-C-T.
Other names: c.220C>T, p.Gln74Ter (NM_001351059.2); c.466C>T, p.Gln156Ter (NM_006053.4); short protein forms Q156*, Q372*, Q74*.
Identifiers: ClinVar variation 830066 (VCV000830066.12), dbSNP rs776436008, ClinGen allele CA6146949.

ClinVar aggregate classification (germline): Pathogenic. Review status: criteria provided, multiple submitters, no conflicts (2 of 4 stars). 6 submissions from 6 submitters: Pathogenic (6). Last evaluated 2025-05-12.

Conditions:
Osteopetrosis. Identifiers: Orphanet 2781, MedGen C0029454, MONDO:0017198, HP:0011002.
Autosomal recessive osteopetrosis 1. Also called: TCIRG1-Related Autosomal Recessive Osteopetrosis; TCIRG1-Related Osteopetrosis; ALBERS-SCHONBERG DISEASE, AUTOSOMAL RECESSIVE. Identifiers: Orphanet 667, MedGen C1850127, MONDO:0009815, OMIM 259700.

Allele frequency attached by ClinVar (database versions not stated): gnomAD exomes below 0.00001; ExAC 0.00001.
gnomAD v4.1: 1 of 1,605,924 alleles (0.000062%); highest among the groups gnomAD compares: East Asian, 0.0022%; no homozygotes.

Submissions (6):

Natera, Inc.
Classification: Pathogenic for Infantile malignant osteopetrosis. Last evaluated: 2025-05-12. Review status: criteria provided, single submitter. Criteria: Natera Variant Classification Schema (03/2026). Collection method: clinical testing. Allele origin: germline.
Comment: The c.1114C>T variant in TCIRG1 is a nonsense variant predicted to introduce a stop codon at amino acid 372. This variant is expected to result in nonsense mediated decay, truncation, or a dysfunctional protein product. This variant is rare in the general population with a frequency below the threshold expected for the associated phenotype(s). This variant has been observed in one or more individuals affected with the associated recessive disease, as either homozygous or compound heterozygous with a second variant (PMID: 30539151). Given the available evidence, this variant is classified as Pathogenic.

Labcorp Genetics (formerly Invitae), Labcorp
Classification: Pathogenic. Last evaluated: 2025-02-03. Review status: criteria provided, single submitter. Criteria: Invitae Variant Classification Sherloc (09022015). Collection method: clinical testing. Allele origin: germline.
Comment: This sequence change creates a premature translational stop signal (p.Gln372*) in the TCIRG1 gene. It is expected to result in an absent or disrupted protein product. Loss-of-function variants in TCIRG1 are known to be pathogenic (PMID: 10888887, 10942435, 11532986, 19448635). The frequency data for this variant in the population databases is considered unreliable, as metrics indicate poor data quality at this position in the gnomAD database. This premature translational stop signal has been observed in individual(s) with osteoporosis (PMID: 11532986, 21042819, 31501239). This variant is also known as C6078G. ClinVar contains an entry for this variant (Variation ID: 830066). For these reasons, this variant has been classified as Pathogenic.

Baylor Genetics
Classification: Pathogenic for Autosomal recessive osteopetrosis 1. Last evaluated: 2023-05-01. Review status: criteria provided, single submitter. Criteria: ACMG Guidelines, 2015. Collection method: clinical testing. Allele origin: unknown.

Women's Health and Genetics/Laboratory Corporation of America, LabCorp
Classification: Pathogenic for Osteopetrosis. Last evaluated: 2023-02-17. Review status: criteria provided, single submitter. Criteria: LabCorp Variant Classification Summary - May 2015. Collection method: clinical testing. Allele origin: germline.
Comment: Variant summary: TCIRG1 c.1114C>T (p.Gln372X) results in a premature termination codon, predicted to cause a truncation of the encoded protein or absence of the protein due to nonsense mediated decay, which are commonly known mechanisms for disease. Truncations downstream of this position have been classified as pathogenic by our laboratory. The variant allele was found at a frequency of 4.1e-06 in 244650 control chromosomes. c.1114C>T has been reported in the literature in individuals affected with Osteopetrosis and related phenotypes (Cao_2018, Sobacchi_2001, Wang_2020, Yang_2020, Yuan_2011). These data indicate that the variant is likely to be associated with disease. To our knowledge, no experimental evidence demonstrating an impact on protein function has been reported. Two clinical diagnostic laboratories have submitted clinical-significance assessments for this variant to ClinVar after 2014 without evidence for independent evaluation. All laboratories classified the variant as pathogenic. Based on the evidence outlined above, the variant was classified as pathogenic.

Center for Molecular Medicine, Children’s Hospital of Fudan University
Classification: Pathogenic for Autosomal recessive osteopetrosis 1. Last evaluated: 2019-05-10. Review status: criteria provided, single submitter. Criteria: ACMG Guidelines, 2015. Collection method: clinical testing. Allele origin: paternal. Affected: yes.

Juno Genomics, Hangzhou Juno Genomics, Inc
Classification: Pathogenic for Autosomal recessive osteopetrosis 1. Review status: criteria provided, single submitter. Criteria: ACMG Guidelines, 2015. Collection method: clinical testing. Allele origin: germline.
Comment: Absent from controls (or at extremely low frequency if recessive) in Genome Aggregation Database.;Null variant in a gene where loss of function (LOF) is a known mechanism of disease.;For recessive disorders, detected in trans with a pathogenic variant.;Patient's phenotype or family history is highly specific for a disease with a single genetic etiology.

Literature cited by the submitters: PubMed 30539151 (cited by Natera, Inc. and Women's Health and Genetics/Laboratory Corporation of America, LabCorp); PubMed 10888887 (cited by Labcorp Genetics (formerly Invitae), Labcorp); PubMed 10942435 (cited by Labcorp Genetics (formerly Invitae), Labcorp); PubMed 11532986 (cited by Labcorp Genetics (formerly Invitae), Labcorp and Women's Health and Genetics/Laboratory Corporation of America, LabCorp); PubMed 19448635 (cited by Labcorp Genetics (formerly Invitae), Labcorp); PubMed 21042819 (cited by Labcorp Genetics (formerly Invitae), Labcorp and Women's Health and Genetics/Laboratory Corporation of America, LabCorp); PubMed 31501239 (cited by Labcorp Genetics (formerly Invitae), Labcorp and Women's Health and Genetics/Laboratory Corporation of America, LabCorp); PubMed 32411386 (cited by Women's Health and Genetics/Laboratory Corporation of America, LabCorp).